The following is an entry in ClinVar:

ClinVar aggregate classification (germline): Uncertain significance (1 of 4 stars; one submission).

Conditions:
Inborn genetic diseases. Identifiers: MedGen C0950123, MeSH D030342.

Submission:

Ambry Genetics
Classification: Uncertain significance for Inborn genetic diseases. Last evaluated: 2026-07-07. Review status: criteria provided, single submitter. Criteria: Ambry Variant Classification Scheme 2023. Collection method: clinical testing. Allele origin: germline.
Comment: The p.A660V variant (also known as c.1979C>T), located in coding exon 14 of the CACNA1S gene, results from a C to T substitution at nucleotide position 1979. The alanine at codon 660 is replaced by valine, an amino acid with similar properties. This amino acid position is conserved. In addition, this alteration is predicted to be deleterious by in silico analysis. Based on the available evidence, the clinical significance of this variant remains unclear.

NM_000069.3(CACNA1S):c.1979C>T (p.Ala660Val)

Gene: CACNA1S (calcium voltage-gated channel subunit alpha1 S; minus strand). Cytogenetic location: 1q32.1.
Variant type: single nucleotide variant.
Coding change: c.1979C>T on transcript NM_000069.3 (MANE Select); coding-DNA position 1979, C replaced by T.
Protein change: p.Ala660Val; replaces alanine 660 with valine.
Molecular consequence: missense variant.
Genome position (GRCh38, 1-based): chr1:201,074,590, G>A on the plus strand (C>T on the coding strand, the complement: CACNA1S is on the minus strand). VCF-style: chr1-201074590-G-A. GRCh37 (hg19) VCF-style: chr1-201043718-G-A.
Other names: short protein forms A660V.
Identifiers: ClinVar variation 5033629 (VCV005033629.1).
Genomic context (GRCh38, chr1:201,074,590, plus strand): 5'-TCCTCAGCCTTGGCCTTCTGGGCAGAAGTCAGGCTCTCCGCCTCGGCCAGGTTGTCCACG[G>A]CAATGGCCAGGAAGACATTGAGCAGGATGTCTGAGCGGGTTTAGCTAAGGAGCCTTTGGT-3'
Protein context (NP_000060.2, residues 650-670): YILLNVFLAI[Ala660Val]VDNLAEAESL